The following is an entry in ClinVar:

NM_001367561.1(DOCK7):c.3997C>G (p.Leu1333Val)

Gene: DOCK7 (dedicator of cytokinesis 7; minus strand). Cytogenetic location: 1p31.3.
Variant type: single nucleotide variant.
Coding change: c.3997C>G on transcript NM_001367561.1 (MANE Select); coding-DNA position 3997, C replaced by G.
Protein change: p.Leu1333Val; replaces leucine 1333 with valine.
Molecular consequence: missense variant.
Genome position (GRCh38, 1-based): chr1:62,513,838, G>C on the plus strand (C>G on the coding strand, the complement: DOCK7 is on the minus strand). VCF-style: chr1-62513838-G-C. GRCh37 (hg19) VCF-style: chr1-62979509-G-C.
Other names: c.3997C>G, p.Leu1333Val (NM_001271999.2, NM_001330614.2); c.3904C>G, p.Leu1302Val (NM_001272000.2, NM_001272001.2, NM_033407.4); short protein forms L1302V, L1333V.
Identifiers: ClinVar variation 1902411 (VCV001902411.2), dbSNP rs2524393527, ClinGen allele CA340625438.

ClinVar aggregate classification (germline): Uncertain significance (1 of 4 stars; one submission).

Conditions:
Developmental and epileptic encephalopathy, 23 (DEE23). Also called: Epileptic encephalopathy, early infantile, 23. Identifiers: Orphanet 411986, MedGen C4014492, MONDO:0014371, OMIM 615859.

Allele frequency attached by ClinVar (database versions not stated): gnomAD exomes below 0.00001.
gnomAD v4.1: 5 of 1,614,078 alleles (0.00031%); highest among the groups gnomAD compares: Non-Finnish European, 0.00042%; no homozygotes.

Submission:

Labcorp Genetics (formerly Invitae), Labcorp
Classification: Uncertain significance for Developmental and epileptic encephalopathy, 23. Last evaluated: 2022-08-22. Review status: criteria provided, single submitter. Criteria: Invitae Variant Classification Sherloc (09022015). Collection method: clinical testing. Allele origin: germline.
Comment: This sequence change replaces leucine, which is neutral and non-polar, with valine, which is neutral and non-polar, at codon 1333 of the DOCK7 protein (p.Leu1333Val). This variant is not present in population databases (gnomAD no frequency). This variant has not been reported in the literature in individuals affected with DOCK7-related conditions. Algorithms developed to predict the effect of missense changes on protein structure and function are either unavailable or do not agree on the potential impact of this missense change (SIFT: "Deleterious"; PolyPhen-2: "Possibly Damaging"; Align-GVGD: "Class C0"). Algorithms developed to predict the effect of sequence changes on RNA splicing suggest that this variant may disrupt the consensus splice site. In summary, the available evidence is currently insufficient to determine the role of this variant in disease. Therefore, it has been classified as a Variant of Uncertain Significance.